The following is an entry in ClinVar:

ClinVar aggregate classification (germline): Uncertain significance (1 of 4 stars; one submission).

Conditions:
Familial acute necrotizing encephalopathy (IIAE3). Also called: ENCEPHALOPATHY, ACUTE, INFECTION-INDUCED, SUSCEPTIBILITY TO, 3; Susceptibility to Acute Necrotizing Encephalopathy 1. Identifiers: Orphanet 88619, MedGen C2675556, MONDO:0011953, OMIM 608033.

gnomAD v4.1: 7 of 1,611,686 alleles (0.00043%); highest among the groups gnomAD compares: Non-Finnish European, 0.00051%; no homozygotes.

Submission:

Labcorp Genetics (formerly Invitae), Labcorp
Classification: Uncertain significance for Familial acute necrotizing encephalopathy. Last evaluated: 2022-07-05. Review status: criteria provided, single submitter. Criteria: Invitae Variant Classification Sherloc (09022015). Collection method: clinical testing. Allele origin: germline.
Comment: In summary, the available evidence is currently insufficient to determine the role of this variant in disease. Therefore, it has been classified as a Variant of Uncertain Significance. This sequence change replaces lysine, which is basic and polar, with arginine, which is basic and polar, at codon 61 of the RANBP2 protein (p.Lys61Arg). The frequency data for this variant in the population databases is considered unreliable, as metrics indicate poor data quality at this position in the gnomAD database. This variant has not been reported in the literature in individuals affected with RANBP2-related conditions. ClinVar contains an entry for this variant (Variation ID: 1026826). Algorithms developed to predict the effect of missense changes on protein structure and function are either unavailable or do not agree on the potential impact of this missense change (SIFT: "Deleterious"; PolyPhen-2: "Benign"; Align-GVGD: "Class C25").

NM_006267.5(RANBP2):c.182A>G (p.Lys61Arg)

Gene: RANBP2 (RAN binding protein 2; plus strand). Cytogenetic location: 2q13.
Variant type: single nucleotide variant.
Coding change: c.182A>G on transcript NM_006267.5 (MANE Select); coding-DNA position 182, A replaced by G.
Protein change: p.Lys61Arg; replaces lysine 61 with arginine.
Molecular consequence: missense variant.
Genome position (GRCh38, 1-based): chr2:108,730,815, A>G. VCF-style: chr2-108730815-A-G. GRCh37 (hg19) VCF-style: chr2-109347271-A-G.
Other names: short protein forms K61R.
Identifiers: ClinVar variation 1026826 (VCV001026826.5), dbSNP rs375559497, ClinGen allele CA1821966.
Genomic context (GRCh38, chr2:108,730,815, plus strand): 5'-TATTACTTTTAAAAAACAGATACATATGTACTTACATTAATGTGCAAGAGAGGGATCCCA[A>G]AGCTCACAGATTTCTGGGTCTTCTTTATGAATTGGAAGAAAACACAGACAAAGCCGTTGA-3'
Protein context (NP_006258.3, residues 51-71): TYINVQERDP[Lys61Arg]AHRFLGLLYE